The following is an entry in ClinVar:

ClinVar aggregate classification (germline): Pathogenic. Review status: criteria provided, multiple submitters, no conflicts (2 of 4 stars). 3 submissions from 3 submitters: Pathogenic (2). 1 of the submissions does not count toward it. Last evaluated 2023-10-26.

Conditions:
TBK1-related disorder. Also called: TBK1-related condition.
Amyotrophic lateral sclerosis (ALS). Also called: Lou Gehrig disease; Charcot disease. Identifiers: Orphanet 803, MedGen C0002736, MONDO:0004976, HP:0007354.
Frontotemporal dementia and/or amyotrophic lateral sclerosis 4. Also called: FTDALS4. Identifiers: Orphanet 275872, MedGen C4225325, MONDO:0014641, OMIM 616439.

Submissions (3):

Labcorp Genetics (formerly Invitae), Labcorp
Classification: Pathogenic for Frontotemporal dementia and/or amyotrophic lateral sclerosis 4. Last evaluated: 2023-10-26. Review status: criteria provided, single submitter. Criteria: Invitae Variant Classification Sherloc (09022015). Collection method: clinical testing. Allele origin: germline.
Comment: This sequence change affects a donor splice site in intron 6 of the TBK1 gene. It is expected to disrupt RNA splicing. Variants that disrupt the donor or acceptor splice site typically lead to a loss of protein function (PMID: 16199547), and loss-of-function variants in TBK1 are known to be pathogenic (PMID: 25803835, 26476236, 26581300). This variant is not present in population databases (gnomAD no frequency). Disruption of this splice site has been observed in individual(s) with clinical features of TBK1-related conditions (PMID: 33245169). ClinVar contains an entry for this variant (Variation ID: 643946). Studies have shown that disruption of this splice site alters TBK1 gene expression (PMID: 33245169). Algorithms developed to predict the effect of sequence changes on RNA splicing suggest that this variant may disrupt the consensus splice site. For these reasons, this variant has been classified as Pathogenic.

Dept. of Medical Genetics, Telemark Hospital Trust, Telemark Hospital Trust
Classification: Pathogenic for Amyotrophic Lateral Sclerosis. Last evaluated: 2022-01-01. Review status: criteria provided, single submitter. Criteria: ACMG Guidelines, 2015. Collection method: research. Allele origin: germline. Affected: yes.

PreventionGenetics, part of Exact Sciences
Classification: Likely pathogenic for TBK1-related condition. Last evaluated: 2024-07-31. Review status: no assertion criteria provided. Collection method: clinical testing. Allele origin: germline. Not counted in ClinVar's aggregate classification.
Comment: The TBK1 c.701+1G>A variant is predicted to disrupt the GT donor site and interfere with normal splicing. This variant was reported in an individual with Parkinsonian-pyramidal syndrome (Santos-García et al. 2021. PubMed ID: 33245169). This variant has not been reported in a large population database, indicating this variant is rare. Variants that disrupt the consensus splice donor site in TBK1 are expected to be pathogenic. This variant is interpreted as likely pathogenic.

Literature cited by the submitters: PubMed 16199547 (cited by Labcorp Genetics (formerly Invitae), Labcorp); PubMed 25803835 (cited by Labcorp Genetics (formerly Invitae), Labcorp); PubMed 26476236 (cited by Labcorp Genetics (formerly Invitae), Labcorp); PubMed 26581300 (cited by Labcorp Genetics (formerly Invitae), Labcorp); PubMed 33245169 (cited by Labcorp Genetics (formerly Invitae), Labcorp).

NM_013254.4(TBK1):c.701+1G>A

Gene: TBK1 (TANK binding kinase 1; plus strand). Cytogenetic location: 12q14.2.
Variant type: single nucleotide variant.
Coding change: c.701+1G>A on transcript NM_013254.4 (MANE Select); the canonical splice donor site of the intron after coding-DNA position 701, G replaced by A.
Molecular consequence: splice donor variant.
Genome position (GRCh38, 1-based): chr12:64,474,391, G>A. VCF-style: chr12-64474391-G-A. GRCh37 (hg19) VCF-style: chr12-64868171-G-A.
Identifiers: ClinVar variation 643946 (VCV000643946.10), dbSNP rs1592362719, ClinGen allele CA385597873.
Genomic context (GRCh38, chr12:64,474,391, plus strand): 5'-AGCTACTGGATCACTGCCATTTAGACCCTTTGAAGGGCCTCGTAGGAATAAAGAAGTGAT[G>A]TAAGTGGTTTCCCGATCTAAAATCAGAGAAGCATTTAAAAAATGATTTCTGTCTTGGTTC-3'